The following is an entry in ClinVar:

ClinVar aggregate classification (germline): Uncertain significance. Review status: criteria provided, multiple submitters, no conflicts (2 of 4 stars). 2 submissions from 2 submitters: Uncertain significance (2). Last evaluated 2025-10-16.

Conditions:
Congenital myasthenic syndrome 4A. Also called: Myasthenic syndrome, congenital, 4a, slow-channel; CONGENITAL MYASTHENIC SYNDROME TYPE Ia1; MYASTHENIC SYNDROME, CONGENITAL, 4A, SLOW-CHANNEL, AUTOSOMAL RECESSIVE. Identifiers: Orphanet 590, MedGen C4225413, MONDO:0011600, OMIM 605809.

gnomAD v4.1: 19 of 1,611,268 alleles (0.0012%); highest among the groups gnomAD compares: East Asian, 0.0022%; no homozygotes.

Submissions (2):

Labcorp Genetics (formerly Invitae), Labcorp
Classification: Uncertain significance for Congenital myasthenic syndrome 4A. Last evaluated: 2025-10-16. Review status: criteria provided, single submitter. Criteria: Invitae Variant Classification Sherloc (09022015). Collection method: clinical testing. Allele origin: germline.
Comment: This sequence change replaces alanine, which is neutral and non-polar, with valine, which is neutral and non-polar, at codon 417 of the CHRNE protein (p.Ala417Val). This variant is present in population databases (rs768258598, gnomAD 0.006%). This variant has not been reported in the literature in individuals affected with CHRNE-related conditions. ClinVar contains an entry for this variant (Variation ID: 2440057). Invitae Evidence Modeling of protein sequence and biophysical properties (such as structural, functional, and spatial information, amino acid conservation, physicochemical variation, residue mobility, and thermodynamic stability) has been performed for this missense variant. However, the output from this modeling did not meet the statistical confidence thresholds required to predict the impact of this variant on CHRNE protein function. In summary, the available evidence is currently insufficient to determine the role of this variant in disease. Therefore, it has been classified as a Variant of Uncertain Significance.

Revvity Omics, Revvity
Classification: Uncertain significance. Last evaluated: 2019-05-09. Review status: criteria provided, single submitter. Criteria: ACMG Guidelines, 2015. Collection method: clinical testing. Allele origin: germline.

NM_000080.4(CHRNE):c.1250C>T (p.Ala417Val)

Gene: CHRNE (cholinergic receptor nicotinic epsilon subunit; minus strand). Cytogenetic location: 17p13.2.
Variant type: single nucleotide variant.
Coding change: c.1250C>T on transcript NM_000080.4 (MANE Select); coding-DNA position 1250, C replaced by T.
Protein change: p.Ala417Val; replaces alanine 417 with valine.
Molecular consequence: missense variant.
Genome position (GRCh38, 1-based): chr17:4,899,077, G>A on the plus strand (C>T on the coding strand, the complement: CHRNE is on the minus strand). VCF-style: chr17-4899077-G-A. GRCh37 (hg19) VCF-style: chr17-4802372-G-A.
Other names: short protein forms A417V.
Identifiers: ClinVar variation 2440057 (VCV002440057.4), dbSNP rs768258598, ClinGen allele CA8313921.